The following is an entry in ClinVar:

ClinVar aggregate classification (germline): Likely benign. Review status: criteria provided, multiple submitters, no conflicts (2 of 4 stars). 2 submissions from 2 submitters: Likely benign (2). Last evaluated 2025-12-08.

Conditions:
Ehlers-Danlos syndrome, classic type, 1 (EDSCL1). Also called: EDS I; EHLERS-DANLOS SYNDROME, GRAVIS TYPE; EHLERS-DANLOS SYNDROME, SEVERE CLASSIC TYPE; Ehlers-Danlos Syndrome, Classic Type, COL5A1-Related; Ehlers-Danlos syndrome, type 1. Identifiers: MedGen C0268335, MONDO:0019567, OMIM 130000.

Allele frequency attached by ClinVar (database versions not stated): TOPMed below 0.00001; ExAC 0.00002; gnomAD 0.00001; gnomAD exomes 0.00001.
gnomAD v4.1: 18 of 1,613,388 alleles (0.0011%); highest among the groups gnomAD compares: Middle Eastern, 0.017%; no homozygotes.

Submissions (2):

Labcorp Genetics (formerly Invitae), Labcorp
Classification: Likely benign for Ehlers-Danlos syndrome, classic type, 1. Last evaluated: 2025-12-08. Review status: criteria provided, single submitter. Criteria: Invitae Variant Classification Sherloc (09022015). Collection method: clinical testing. Allele origin: germline.

GeneDx
Classification: Likely benign. Last evaluated: 2018-04-20. Review status: criteria provided, single submitter. Criteria: GeneDx Variant Classification (06012015). Collection method: clinical testing. Allele origin: germline. Affected: yes.
Comment: This variant is considered likely benign or benign based on one or more of the following criteria: it is a conservative change, it occurs at a poorly conserved position in the protein, it is predicted to be benign by multiple in silico algorithms, and/or has population frequency not consistent with disease.

NM_000093.5(COL5A1):c.2331+11G>A

Gene: COL5A1 (collagen type V alpha 1 chain; plus strand). Cytogenetic location: 9q34.3.
Variant type: single nucleotide variant.
Coding change: c.2331+11G>A on transcript NM_000093.5 (MANE Select); 11 bases into the intron after coding-DNA position 2331, G replaced by A.
Molecular consequence: intron variant.
Genome position (GRCh38, 1-based): chr9:134,772,845, G>A. VCF-style: chr9-134772845-G-A. GRCh37 (hg19) VCF-style: chr9-137664691-G-A.
Other names: c.2331+11G>A (NM_001278074.1).
Identifiers: ClinVar variation 682230 (VCV000682230.4), dbSNP rs753145256, ClinGen allele CA5319271.